The following is an entry in ClinVar:

NM_001365308.1(BMPER):c.1629T>C (p.Pro543=)

Gene: BMPER (BMP binding endothelial regulator; plus strand). Cytogenetic location: 7p14.3.
Variant type: single nucleotide variant.
Coding change: c.1629T>C on transcript NM_001365308.1 (MANE Select); coding-DNA position 1629, T replaced by C.
Protein change: p.Pro543=; no amino-acid change (proline 543 retained).
Molecular consequence: synonymous variant.
Genome position (GRCh38, 1-based): chr7:34,085,976, T>C. VCF-style: chr7-34085976-T-C. GRCh37 (hg19) VCF-style: chr7-34125588-T-C.
Other names: c.1629T>C, p.Pro543= (NM_133468.5).
Identifiers: ClinVar variation 1558335 (VCV001558335.10), dbSNP rs150450201, ClinGen allele CA4215445.
Genomic context (GRCh38, chr7:34,085,976, plus strand): 5'-TGAATCTTGGAGGGTGGAGTCCAATGAGTTCTGCAACAGACCTCAGAGAAAGCCAGTGCC[T>C]GAACTGTGTCAAGGGACAGTCAAGGTAAAGCTCCGGGCCCATCGAGAATGCCAAAAGCTC-3'
Protein context (NP_001352237.1, residues 533-553): FCNRPQRKPV[Pro543=]ELCQGTVKVK

ClinVar aggregate classification (germline): Benign/Likely benign. Review status: criteria provided, multiple submitters, no conflicts (2 of 4 stars). 2 submissions from 2 submitters: Benign (1); Likely benign (1). Last evaluated 2026-06-01.

Allele frequency attached by ClinVar (database versions not stated): gnomAD exomes 0.00012 and 0.00026; ExAC 0.00027; 1000 Genomes Project 0.00060; 1000 Genomes Project 30x 0.00078; gnomAD 0.00106 and 0.00120; TOPMed 0.00117; ESP Exome Variant Server 0.00131.
gnomAD v4.1: 343 of 1,614,126 alleles (0.021%); highest among the groups gnomAD compares: African/African-American, 0.34%; 1 homozygote.

Submissions (2):

CeGaT Center for Human Genetics Tuebingen
Classification: Likely benign. Last evaluated: 2026-06-01. Review status: criteria provided, single submitter. Criteria: CeGaT Center For Human Genetics Tuebingen Variant Classification Criteria Version 2. Collection method: clinical testing. Allele origin: germline. Affected: yes. Observed: 1 variant allele.
Comment: BMPER: BP4, BP7

Labcorp Genetics (formerly Invitae), Labcorp
Classification: Benign. Last evaluated: 2025-12-27. Review status: criteria provided, single submitter. Criteria: Invitae Variant Classification Sherloc (09022015). Collection method: clinical testing. Allele origin: germline.